The following is an entry in ClinVar:

ClinVar aggregate classification (germline): Benign/Likely benign. Review status: criteria provided, multiple submitters, no conflicts (2 of 4 stars). 2 submissions from 2 submitters: Benign (1); Likely benign (1). Last evaluated 2025-12-16.

Conditions:
Hyperaldosteronism, familial, type IV (HALD4). Also called: FH IV; ALDOSTERONISM, PRIMARY, AND HYPERTENSION. Identifiers: Orphanet 642671, MedGen C4310756, MONDO:0014875, OMIM 617027.
Idiopathic generalized epilepsy. Also called: Generalised epilepsy; EIG. Identifiers: MedGen C0270850, MONDO:0005579, OMIM 600669.

Allele frequency attached by ClinVar (database versions not stated): TOPMed 0.00002; 1000 Genomes Project 30x 0.00265; 1000 Genomes Project 0.00339.
gnomAD v4.1: 784 of 1,612,288 alleles (0.049%); highest among the groups gnomAD compares: South Asian, 0.83%; 14 homozygotes.

Submissions (2):

Labcorp Genetics (formerly Invitae), Labcorp
Classification: Benign for Idiopathic generalized epilepsy; Hyperaldosteronism, familial, type IV. Last evaluated: 2025-12-16. Review status: criteria provided, single submitter. Criteria: Invitae Variant Classification Sherloc (09022015). Collection method: clinical testing. Allele origin: germline.

CeGaT Center for Human Genetics Tuebingen
Classification: Likely benign. Last evaluated: 2023-04-01. Review status: criteria provided, single submitter. Criteria: CeGaT Center For Human Genetics Tuebingen Variant Classification Criteria Version 2. Collection method: clinical testing. Allele origin: germline. Affected: yes. Observed: 1 variant allele.
Comment: CACNA1H: BS2

NM_021098.3(CACNA1H):c.2153A>C (p.Glu718Ala)

Gene: CACNA1H (calcium voltage-gated channel subunit alpha1 H; plus strand). Cytogenetic location: 16p13.3.
Variant type: single nucleotide variant.
Coding change: c.2153A>C on transcript NM_021098.3 (MANE Select); coding-DNA position 2153, A replaced by C.
Protein change: p.Glu718Ala; replaces glutamic acid 718 with alanine.
Molecular consequence: missense variant.
Genome position (GRCh38, 1-based): chr16:1,204,160, A>C. VCF-style: chr16-1204160-A-C. GRCh37 (hg19) VCF-style: chr16-1254160-A-C.
Other names: c.2153A>C, p.Glu718Ala (NM_001005407.2); short protein forms E718A.
Identifiers: ClinVar variation 529632 (VCV000529632.35), dbSNP rs538923520, ClinGen allele CA7800132.
Genomic context (GRCh38, chr16:1,204,160, plus strand): 5'-AGAGCTGCCCGTACTGCACCCGTGCCCTGGAGGACCCGGAGGGTGAGCTCAGCGGCTCGG[A>C]AAGTGGAGACTCAGATGGCCGTGGCGTCTATGAATTCACGCAGGACGTCCGGCACGGTGA-3'
Protein context (NP_066921.2, residues 708-728): EDPEGELSGS[Glu718Ala]SGDSDGRGVY